The following is an entry in ClinVar:

NM_194323.3(OTOF):c.3581G>A (p.Arg1194Gln)

Gene: OTOF (otoferlin; minus strand). Cytogenetic location: 2p23.3.
Variant type: single nucleotide variant.
Coding change: c.3581G>A on transcript NM_194323.3 (MANE Plus Clinical); coding-DNA position 3581, G replaced by A.
Protein change: p.Arg1194Gln; replaces arginine 1194 with glutamine.
Molecular consequence: missense variant. On other transcripts: 3 prime UTR variant (3).
Genome position (GRCh38, 1-based): chr2:26,458,152, C>T on the plus strand (G>A on the coding strand, the complement: OTOF is on the minus strand). VCF-style: chr2-26458152-C-T. GRCh37 (hg19) VCF-style: chr2-26681020-C-T.
Other names: c.5882G>A, p.Arg1961Gln (NM_001287489.2); c.*86G>A (NM_004802.4, NM_194248.3, NM_194322.3); short protein forms R1194Q, R1961Q.
Identifiers: ClinVar variation 4776424 (VCV004776424.1).

ClinVar aggregate classification (germline): Uncertain significance (1 of 4 stars; one submission).

Submission:

Labcorp Genetics (formerly Invitae), Labcorp
Classification: Uncertain significance. Last evaluated: 2025-12-19. Review status: criteria provided, single submitter. Criteria: Invitae Variant Classification Sherloc (09022015). Collection method: clinical testing. Allele origin: germline.
Comment: This variant occurs in a non-coding region of the OTOF gene. It does not change the encoded amino acid sequence of the OTOF protein. This variant is present in population databases (no rsID available, gnomAD 0.003%). This variant has not been reported in the literature in individuals affected with OTOF-related conditions. In summary, the available evidence is currently insufficient to determine the role of this variant in disease. Therefore, it has been classified as a Variant of Uncertain Significance.